The following is an entry in ClinVar:

ClinVar aggregate classification (germline): Uncertain significance (1 of 4 stars; one submission).

gnomAD v4.1: 34 of 1,613,720 alleles (0.0021%); highest among the groups gnomAD compares: African/African-American, 0.0093%; no homozygotes.

Submission:

GeneDx
Classification: Uncertain significance. Last evaluated: 2022-03-18. Review status: criteria provided, single submitter. Criteria: GeneDx Variant Classification Process June 2021. Collection method: clinical testing. Allele origin: germline. Affected: yes.
Comment: In silico analysis supports that this missense variant does not alter protein structure/function; Has not been previously published as pathogenic or benign to our knowledge

NM_001371623.1(TCOF1):c.535G>A (p.Val179Ile)

Gene: TCOF1 (treacle ribosome biogenesis factor 1; plus strand). Cytogenetic location: 5q32.
Variant type: single nucleotide variant.
Coding change: c.535G>A on transcript NM_001371623.1 (MANE Select); coding-DNA position 535, G replaced by A.
Protein change: p.Val179Ile; replaces valine 179 with isoleucine.
Molecular consequence: missense variant.
Genome position (GRCh38, 1-based): chr5:150,368,872, G>A. VCF-style: chr5-150368872-G-A. GRCh37 (hg19) VCF-style: chr5-149748435-G-A.
Other names: c.535G>A, p.Val179Ile (NM_000356.4, NM_001008657.3, NM_001135243.2 and 3 more transcripts); short protein forms V179I.
Identifiers: ClinVar variation 1676349 (VCV001676349.2), dbSNP rs373269393, ClinGen allele CA3510580.
Genomic context (GRCh38, chr5:150,368,872, plus strand): 5'-AAGTCAGCAGAGCCCTCAGCAAATACTACGTTGGTCTCAGAAACTGAGGAGGAGGGCAGC[G>A]TCCCGGCCTTTGGAGCTGCTGCCAAGCCTGGTAAGAAGTCCCCACCTCTAGGAACCTAGT-3'
Protein context (NP_001358552.1, residues 169-189): LVSETEEEGS[Val179Ile]PAFGAAAKPG